The following is an entry in ClinVar:

NM_020911.2(PLXNA4):c.3699G>A (p.Pro1233=)

Gene: PLXNA4 (plexin A4; minus strand). Cytogenetic location: 7q32.3.
Variant type: single nucleotide variant.
Coding change: c.3699G>A on transcript NM_020911.2 (MANE Select); coding-DNA position 3699, G replaced by A.
Protein change: p.Pro1233=; no amino-acid change (proline 1233 retained).
Molecular consequence: synonymous variant.
Genome position (GRCh38, 1-based): chr7:132,179,862, C>T on the plus strand (G>A on the coding strand, the complement: PLXNA4 is on the minus strand). VCF-style: chr7-132179862-C-T. GRCh37 (hg19) VCF-style: chr7-131864621-C-T.
Other names: c.3699G>A, p.Pro1233= (NM_001393897.1).
Identifiers: ClinVar variation 3350492 (VCV003350492.1).

ClinVar aggregate classification (germline): Likely benign (0 of 4 stars; one submission).

Conditions:
PLXNA4-related disorder. Also called: PLXNA4-related condition.

gnomAD v4.1: 14 of 1,612,940 alleles (0.00087%); highest among the groups gnomAD compares: Non-Finnish European, 0.001%; no homozygotes.

Submission:

PreventionGenetics, part of Exact Sciences
Classification: Likely benign for PLXNA4-related condition. Last evaluated: 2024-08-06. Review status: no assertion criteria provided. Collection method: clinical testing. Allele origin: germline.
Comment: This variant is classified as likely benign based on ACMG/AMP sequence variant interpretation guidelines (Richards et al. 2015 PMID: 25741868, with internal and published modifications).